The following is an entry in ClinVar:

NM_001035.3(RYR2):c.3808-8T>G

Genes: RYR2 (ryanodine receptor 2; plus strand), LOC126806067 (BRD4-independent group 4 enhancer GRCh37_chr1:237753258-237754457; plus strand). Cytogenetic location: 1q43.
Variant type: single nucleotide variant.
Coding change: c.3808-8T>G on transcript NM_001035.3 (MANE Select); 8 bases into the intron before coding-DNA position 3808, T replaced by G.
Molecular consequence: intron variant.
Genome position (GRCh38, 1-based): chr1:237,590,632, T>G. VCF-style: chr1-237590632-T-G. GRCh37 (hg19) VCF-style: chr1-237753932-T-G.
Identifiers: ClinVar variation 4757571 (VCV004757571.1).

ClinVar aggregate classification (germline): Uncertain significance (1 of 4 stars; one submission).

Conditions:
Cardiomyopathy (CMYO). Also called: Cardiomyopathies. Identifiers: Orphanet 167848, MedGen C0878544, MONDO:0004994, HP:0001638. Inheritance: Various modes of inheritance.

gnomAD v4.1: 2 of 1,498,682 alleles (0.00013%); highest among the groups gnomAD compares: African/African-American, 0.0014%; no homozygotes.

Submission:

Color Diagnostics, LLC DBA Color Health
Classification: Uncertain significance for Cardiomyopathy. Last evaluated: 2025-07-09. Review status: criteria provided, single submitter. Criteria: ACMG Guidelines, 2015. Collection method: clinical testing. Allele origin: germline.
Comment: This variant causes a T to G nucleotide substitution at the -8 position of intron 30 of the RYR2 gene. To our knowledge, functional studies have not been reported for this variant. This variant has not been reported in individuals affected with RYR2-related disorders in the literature. This variant has not been identified in the general population by the Genome Aggregation Database (gnomAD). The available evidence is insufficient to determine the role of this variant in disease conclusively. Therefore, this variant is classified as a Variant of Uncertain Significance.